The following is an entry in ClinVar:

ClinVar aggregate classification (germline): Benign/Likely benign. Review status: criteria provided, multiple submitters, no conflicts (2 of 4 stars). 3 submissions from 3 submitters: Benign (1); Likely benign (2). Last evaluated 2024-04-25.

Conditions:
Hereditary cancer-predisposing syndrome. Also called: Hereditary Cancer Syndrome; Neoplastic Syndromes, Hereditary; Hereditary neoplastic syndrome; Tumor predisposition. Identifiers: Orphanet 140162, MedGen C0027672, MeSH D009386, MONDO:0015356.
Ataxia-telangiectasia syndrome (AT). Also called: ATAXIA-TELANGIECTASIA, COMPLEMENTATION GROUP A; ATAXIA-TELANGIECTASIA, FRESNO VARIANT; Ataxia-telangiectasia, complementation group E; Ataxia telangiectasia (A-T); Ataxia-telangiectasia, complementation group D; AT, COMPLEMENTATION GROUP C. Identifiers: Orphanet 100, MedGen C0004135, MONDO:0008840, OMIM 208900.
Familial cancer of breast. Also called: hereditary breast carcinoma; BREAST CANCER, FAMILIAL; Hereditary breast cancer. Identifiers: Orphanet 227535, MedGen C0346153, MONDO:0016419, OMIM 114480. Disease mechanism: loss of function.

Submissions (3):

Myriad Genetics, Inc.
Classification: Benign for Familial cancer of breast. Last evaluated: 2024-04-25. Review status: criteria provided, single submitter. Criteria: Myriad Autosomal Dominant, Autosomal Recessive and X-Linked Classification Criteria (2023). Collection method: clinical testing. Allele origin: unknown.
Comment: This variant is considered benign. This variant is a silent/synonymous amino acid change and it is not expected to impact splicing.

Ambry Genetics
Classification: Likely benign for Hereditary cancer-predisposing syndrome. Last evaluated: 2024-03-01. Review status: criteria provided, single submitter. Criteria: Ambry Variant Classification Scheme 2023. Collection method: clinical testing. Allele origin: germline.

Labcorp Genetics (formerly Invitae), Labcorp
Classification: Likely benign for Ataxia-telangiectasia syndrome. Last evaluated: 2021-04-27. Review status: criteria provided, single submitter. Criteria: Invitae Variant Classification Sherloc (09022015). Collection method: clinical testing. Allele origin: germline.

NM_000051.4(ATM):c.1125A>G (p.Arg375=)

Gene: ATM (ATM serine/threonine kinase; plus strand). Cytogenetic location: 11q22.3.
Variant type: single nucleotide variant.
Coding change: c.1125A>G on transcript NM_000051.4 (MANE Select); coding-DNA position 1125, A replaced by G.
Protein change: p.Arg375=; no amino-acid change (arginine 375 retained).
Molecular consequence: synonymous variant.
Genome position (GRCh38, 1-based): chr11:108,248,992, A>G. VCF-style: chr11-108248992-A-G. GRCh37 (hg19) VCF-style: chr11-108119719-A-G.
Other names: c.1125A>G, p.Arg375= (NM_001351834.2); c.1125A>G (NM_000051.3).
Identifiers: ClinVar variation 1653581 (VCV001653581.10), dbSNP rs2135292242, ClinGen allele CA476671697.